The following is an entry in ClinVar:

NM_001079855.2(GYG2):c.325-242C>T

Gene: GYG2 (glycogenin 2; plus strand). Cytogenetic location: Xp22.33.
Variant type: single nucleotide variant.
Coding change: c.325-242C>T on transcript NM_001079855.2 (MANE Select); 242 bases into the intron before coding-DNA position 325, C replaced by T.
Molecular consequence: intron variant.
Genome position (GRCh38, 1-based): chrX:2,854,751, C>T. VCF-style: chrX-2854751-C-T. GRCh37 (hg19) VCF-style: chrX-2772792-C-T.
Other names: c.418-242C>T (NM_003918.3, NM_001184703.2); c.325-242C>T (NM_001184702.2); c.-141-242C>T (NM_001184704.2).
Identifiers: ClinVar variation 684117 (VCV000684117.1), dbSNP rs6567665, ClinGen allele CA325965524.
Genomic context (GRCh38, chrX:2,854,751, plus strand): 5'-TGGGAGCTTGAGATGGGTGGATCACTTGAGGCCAGGAGTTTGAGACCAGCCTGGCCAACA[C>T]GGTGAAACCGTTTTTACTAAAAATACAAAAATTAGCCAGGCATGGTAACAGGTGCCTGTA-3'

ClinVar aggregate classification (germline): Benign (1 of 4 stars; one submission).

Allele frequency attached by ClinVar (database versions not stated): 1000 Genomes Project 30x 0.68200; 1000 Genomes Project 0.68397; TOPMed 0.71528; gnomAD 0.71647.

Submission:

GeneDx
Classification: Benign. Last evaluated: 2018-06-14. Review status: criteria provided, single submitter. Criteria: GeneDx Variant Classification (06012015). Collection method: clinical testing. Allele origin: germline. Affected: yes.
Comment: This variant is considered likely benign or benign based on one or more of the following criteria: it is a conservative change, it occurs at a poorly conserved position in the protein, it is predicted to be benign by multiple in silico algorithms, and/or has population frequency not consistent with disease.